The following is an entry in ClinVar:

ClinVar aggregate classification (germline): Uncertain significance (1 of 4 stars; one submission).

Conditions:
CHARGE syndrome (CHARGE). Also called: Hittner Hirsch Kreh syndrome; CHARGE ASSOCIATION--COLOBOMA, HEART ANOMALY, CHOANAL ATRESIA, RETARDATION, GENITAL AND EAR ANOMALIES; Coloboma, heart anomaly, choanal atresia, retardation, genital and ear anomalies; CHARGE association; Hall-Hittner syndrome. Identifiers: Orphanet 138, MedGen C0265354, MONDO:0008965.

Submission:

Labcorp Genetics (formerly Invitae), Labcorp
Classification: Uncertain significance for CHARGE syndrome. Last evaluated: 2024-02-28. Review status: criteria provided, single submitter. Criteria: Invitae Variant Classification Sherloc (09022015). Collection method: clinical testing. Allele origin: germline.
Comment: This sequence change replaces alanine, which is neutral and non-polar, with threonine, which is neutral and polar, at codon 143 of the SEMA3E protein (p.Ala143Thr). This variant is not present in population databases (gnomAD no frequency). This variant has not been reported in the literature in individuals affected with SEMA3E-related conditions. Advanced modeling of protein sequence and biophysical properties (such as structural, functional, and spatial information, amino acid conservation, physicochemical variation, residue mobility, and thermodynamic stability) performed at Invitae indicates that this missense variant is not expected to disrupt SEMA3E protein function with a negative predictive value of 80%. In summary, the available evidence is currently insufficient to determine the role of this variant in disease. Therefore, it has been classified as a Variant of Uncertain Significance.

NM_012431.3(SEMA3E):c.427G>A (p.Ala143Thr)

Gene: SEMA3E (semaphorin 3E; minus strand). Cytogenetic location: 7q21.11.
Variant type: single nucleotide variant.
Coding change: c.427G>A on transcript NM_012431.3 (MANE Select); coding-DNA position 427, G replaced by A.
Protein change: p.Ala143Thr; replaces alanine 143 with threonine.
Molecular consequence: missense variant.
Genome position (GRCh38, 1-based): chr7:83,466,511, C>T on the plus strand (G>A on the coding strand, the complement: SEMA3E is on the minus strand). VCF-style: chr7-83466511-C-T. GRCh37 (hg19) VCF-style: chr7-83095827-C-T.
Other names: c.247G>A, p.Ala83Thr (NM_001178129.2); short protein forms A143T, A83T.
Identifiers: ClinVar variation 3698890 (VCV003698890.2).